The following is an entry in ClinVar:

NM_015001.3(SPEN):c.7186C>T (p.Gln2396Ter)

Gene: SPEN (spen family transcriptional repressor; plus strand). Cytogenetic location: 1p36.13.
Variant type: single nucleotide variant.
Coding change: c.7186C>T on transcript NM_015001.3 (MANE Select); coding-DNA position 7186, C replaced by T.
Protein change: p.Gln2396Ter; replaces glutamine 2396 with a stop codon.
Molecular consequence: nonsense.
Genome position (GRCh38, 1-based): chr1:15,933,426, C>T. VCF-style: chr1-15933426-C-T. GRCh37 (hg19) VCF-style: chr1-16259921-C-T.
Other names: short protein forms Q2396*.
Identifiers: ClinVar variation 2576558 (VCV002576558.2), dbSNP rs2523089310, ClinGen allele CA338640547.
Genomic context (GRCh38, chr1:15,933,426, plus strand): 5'-CAGCACCCCGAAGCCCCACAGGAAGAAAAGCAGAGTGAGAAACCCCATTCCACTCCTCCT[C>T]AGTCATGTACTTCTGACCTAAGCAAGATTCCCTCCACAGAGAATTCGTCCCAAGAAATCA-3'

ClinVar aggregate classification (germline): Likely pathogenic (1 of 4 stars; one submission).

Conditions:
Radio-Tartaglia syndrome. Identifiers: Orphanet 662234, MedGen C5543339, MONDO:0859143, OMIM 619312.

Submission:

Institute of Human Genetics, University of Leipzig Medical Center
Classification: Likely pathogenic for Radio-Tartaglia syndrome. Last evaluated: 2023-07-10. Review status: criteria provided, single submitter. Criteria: ACMG Guidelines, 2015. Collection method: clinical testing. Allele origin: unknown. Inheritance: Autosomal dominant inheritance. Affected: yes.
Comment: Criteria applied: PVS1,PM2_SUP